The following is an entry in ClinVar:

NC_012920.1(MT-ND5):m.12706T>C (p.Phe124Leu)

Gene: MT-ND5 (mitochondrially encoded NADH dehydrogenase 5; plus strand).
Variant type: single nucleotide variant.
Genome position: chrM-12706-T-C.
Other names: MTND5, 12706T-C, PHE124LEU; short protein forms F124L.
Identifiers: ClinVar variation 9698 (VCV000009698.8), dbSNP rs267606893, ClinGen allele CA120628.

ClinVar aggregate classification (germline): Likely pathogenic. Review status: reviewed by expert panel (3 of 4 stars). 5 submissions from 5 submitters: Likely pathogenic (1). 4 of the submissions do not count toward it. Last evaluated 2022-06-30.

Conditions:
Leigh syndrome due to mitochondrial complex I deficiency. Identifiers: MedGen C1838951.
Mitochondrial disease. Also called: Mitochondrial disorder; Mitochondrial disorders. Identifiers: Orphanet 68380, MedGen C0751651, MeSH D028361, MONDO:0044970.
Leber optic atrophy (LHON). Also called: Optic Atrophy, Hereditary, Leber; Leber hereditary optic neuropathy; Leber's disease; Leber's optic atrophy. Identifiers: Orphanet 104, MedGen C0917796, MONDO:0010788, OMIM 535000, HP:0001112.
Leigh syndrome (NULS). Also called: Leigh's necrotizing encephalopathy; Leigh's disease; Leigh's syndrome; LEIGH SYNDROME, NUCLEAR; Leigh Disease; Leigh Syndrome (mtDNA deletion). Identifiers: Orphanet 506, MedGen C2931891, MONDO:0009723, OMIM 256000.

Submissions (5):

ClinGen Mitochondrial Disease Nuclear and Mitochondrial  Variant Curation Expert Panel, ClinGen
Classification: Likely pathogenic for Mitochondrial disease. Last evaluated: 2022-06-30. Review status: reviewed by expert panel. Criteria: clingen mito disease acmg specifications v1-1. Collection method: curation. Allele origin: germline. Inheritance: Mitochondrial inheritance.
Comment: The m.12706T>C (p.F124L) variant in MT-ND5 has been reported in at least seven unrelated individuals with primary mitochondrial disease and features including Leigh syndrome, MELAS and MELAS-like, and ophthalmoplegia (PS4_moderate; PMIDs: 34200828, 17317336, 21364701, 23847141, 14684687, 11938446). There is one report of a de novo occurrence of this variant (PS2_moderate, PMID: 17317336). This variant is absent in the GenBank dataset, Helix dataset, and gnomAD v3.1.2 (PM2_supporting). The computational predictor APOGEE gives a consensus rating of pathogenic with a score of 0.9 (Min=0, Max=1), which predicts a damaging effect on gene function (PP3). There are no cybrid studies, single fiber studies, or other functional assays reported. In summary, this variant meets criteria to be classified as likely pathogenic for primary mitochondrial disease inherited in a mitochondrial manner. This classification was approved by the NICHD/NINDS U24 Mitochondrial Disease Variant Curation Expert Panel on April 11, 2022. Mitochondrial DNA-specific ACMG/AMP criteria applied (PMID: 32906214): PS4_moderate, PS2_moderate, PM2_supporting, PP3.

Mendelics
Classification: Pathogenic for Leber optic atrophy. Last evaluated: 2022-05-04. Review status: criteria provided, single submitter. Criteria: Mendelics Assertion Criteria 2019. Collection method: clinical testing. Allele origin: germline. Not counted in ClinVar's aggregate classification.

Wong Mito Lab, Molecular and Human Genetics, Baylor College of Medicine
Classification: Likely pathogenic for Leigh syndrome. Last evaluated: 2019-10-17. Review status: criteria provided, single submitter. Criteria: Modified ACMG Guidelines (Unpublished). Collection method: clinical testing. Allele origin: germline. Not counted in ClinVar's aggregate classification.
Comment: The NC_012920.1:m.12706T>C (YP_003024036.1:p.Phe124Leu) variant in MTND5 gene is interpretated to be a Likely Pathogenic variant based on the modified ACMG guidelines (unpublished). This variant meets the following evidence codes: PM9, PM10, PP4, PP6, PP7

OMIM
Classification: Pathogenic for LEIGH SYNDROME DUE TO MITOCHONDRIAL COMPLEX I DEFICIENCY. Last evaluated: 2002-02-01. Review status: no assertion criteria provided. Collection method: literature only. Allele origin: germline. Not counted in ClinVar's aggregate classification.

GeneReviews
No classification provided. Condition: Leigh syndrome. Review status: no classification provided. Collection method: literature only. Allele origin: germline. Not counted in ClinVar's aggregate classification.

Literature cited by the submitters: PubMed 11938446 (cited by Wong Mito Lab, Molecular and Human Genetics, Baylor College of Medicine and OMIM); PubMed 17317336 (cited by Wong Mito Lab, Molecular and Human Genetics, Baylor College of Medicine); NCBI Bookshelf NBK1173 (cited by GeneReviews).